The following is an entry in ClinVar:

NM_003331.5(TYK2):c.1773+10G>C

Gene: TYK2 (tyrosine kinase 2; minus strand). Cytogenetic location: 19p13.2.
Variant type: single nucleotide variant.
Coding change: c.1773+10G>C on transcript NM_003331.5 (MANE Select); 10 bases into the intron after coding-DNA position 1773, G replaced by C.
Molecular consequence: intron variant.
Genome position (GRCh38, 1-based): chr19:10,362,068, C>G on the plus strand (G>C on the coding strand, the complement: TYK2 is on the minus strand). VCF-style: chr19-10362068-C-G. GRCh37 (hg19) VCF-style: chr19-10472744-C-G.
Other names: c.1773+10G>C (NM_001385199.1, NM_001385207.1, NM_001385202.1 and 6 more transcripts); c.1683+10G>C (NM_001385205.1); c.1575+10G>C (NM_001385201.1); c.1647+10G>C (NM_001385206.1).
Identifiers: ClinVar variation 1105971 (VCV001105971.11), dbSNP rs376905742, ClinGen allele CA9193309.

ClinVar aggregate classification (germline): Likely benign. Review status: criteria provided, single submitter (1 of 4 stars). 2 submissions from 2 submitters: Likely benign (1). 1 of the submissions does not count toward it. Last evaluated 2025-04-14.

Conditions:
TYK2-related disorder. Also called: TYK2-related condition.
Immunodeficiency 35 (IMD35). Also called: TYK2 DEFICIENCY; HIES WITH ATYPICAL MYCOBACTERIOSIS, AUTOSOMAL RECESSIVE; HYPER-IgE SYNDROME WITH ATYPICAL MYCOBACTERIOSIS, AUTOSOMAL RECESSIVE; Susceptibility to infection due to TYK2 deficiency. Identifiers: Orphanet 331226, MedGen C1969086, MONDO:0012682, OMIM 611521.

Allele frequency attached by ClinVar (database versions not stated): ExAC 0.00002; gnomAD exomes 0.00006; gnomAD 0.00008 and 0.00009; TOPMed 0.00009; ESP Exome Variant Server 0.00023.
gnomAD v4.1: 97 of 1,613,898 alleles (0.006%); highest among the groups gnomAD compares: Admixed American, 0.018%; no homozygotes.

Submissions (2):

Labcorp Genetics (formerly Invitae), Labcorp
Classification: Likely benign for Immunodeficiency 35. Last evaluated: 2025-04-14. Review status: criteria provided, single submitter. Criteria: Invitae Variant Classification Sherloc (09022015). Collection method: clinical testing. Allele origin: germline.

PreventionGenetics, part of Exact Sciences
Classification: Likely benign for TYK2-related condition. Last evaluated: 2019-06-05. Review status: no assertion criteria provided. Collection method: clinical testing. Allele origin: germline. Not counted in ClinVar's aggregate classification.
Comment: This variant is classified as likely benign based on ACMG/AMP sequence variant interpretation guidelines (Richards et al. 2015 PMID: 25741868, with internal and published modifications).